The following is an entry in ClinVar:

NM_001401501.2(MUC16):c.9285A>C (p.Leu3095=)

Gene: MUC16 (mucin 16, cell surface associated; minus strand). Cytogenetic location: 19p13.2.
Variant type: single nucleotide variant.
Coding change: c.9285A>C on transcript NM_001401501.2 (MANE Select); coding-DNA position 9285, A replaced by C.
Protein change: p.Leu3095=; no amino-acid change (leucine 3095 retained).
Molecular consequence: synonymous variant.
Genome position (GRCh38, 1-based): chr19:8,971,974, T>G on the plus strand (A>C on the coding strand, the complement: MUC16 is on the minus strand). VCF-style: chr19-8971974-T-G. GRCh37 (hg19) VCF-style: chr19-9082650-T-G.
Other names: c.9711A>C, p.Leu3237= (NM_001414686.1); c.9165A>C, p.Leu3055= (NM_001414687.1, NM_024690.2).
Identifiers: ClinVar variation 781406 (VCV000781406.6), dbSNP rs77653921, ClinGen allele CA9171810.

ClinVar aggregate classification (germline): Benign. Review status: criteria provided, multiple submitters, no conflicts (2 of 4 stars). 3 submissions from 3 submitters: Benign (2). 1 of the submissions does not count toward it. Last evaluated 2018-08-14.

Conditions:
MUC16-related disorder. Also called: MUC16-related condition.

Allele frequency attached by ClinVar (database versions not stated): 1000 Genomes Project 0.02256; gnomAD 0.02175 and 0.02328; ExAC 0.00688; ESP Exome Variant Server 0.02300; 1000 Genomes Project 30x 0.02436; TOPMed 0.02470; gnomAD exomes 0.00570.

Submissions (3):

Labcorp Genetics (formerly Invitae), Labcorp
Classification: Benign. Last evaluated: 2018-08-14. Review status: criteria provided, single submitter. Criteria: Invitae Variant Classification Sherloc (09022015). Collection method: clinical testing. Allele origin: germline.

Breakthrough Genomics
Classification: Benign. Review status: criteria provided, single submitter. Criteria: ACMG Guidelines, 2015. Collection method: not provided. Allele origin: germline. Inheritance: Unknown mechanism. Affected: yes.

PreventionGenetics, part of Exact Sciences
Classification: Benign for MUC16-related condition. Last evaluated: 2019-10-01. Review status: no assertion criteria provided. Collection method: clinical testing. Allele origin: germline. Not counted in ClinVar's aggregate classification.
Comment: This variant is classified as benign based on ACMG/AMP sequence variant interpretation guidelines (Richards et al. 2015 PMID: 25741868, with internal and published modifications).